The following is an entry in ClinVar:

NM_002529.4(NTRK1):c.851-2A>C

Gene: NTRK1 (neurotrophic receptor tyrosine kinase 1; plus strand). Cytogenetic location: 1q23.1.
Variant type: single nucleotide variant.
Coding change: c.851-2A>C on transcript NM_002529.4 (MANE Select); the canonical splice acceptor site of the intron before coding-DNA position 851, A replaced by C.
Molecular consequence: splice acceptor variant.
Genome position (GRCh38, 1-based): chr1:156,873,631, A>C. VCF-style: chr1-156873631-A-C. GRCh37 (hg19) VCF-style: chr1-156843423-A-C.
Other names: c.761-2A>C (NM_001007792.1); c.851-2A>C (NM_001012331.2).
Identifiers: ClinVar variation 1485330 (VCV001485330.8), dbSNP rs2102904669, ClinGen allele CA342935404.
Genomic context (GRCh38, chr1:156,873,631, plus strand): 5'-TGTGTGCCAGGCTCCCTCCAGCTGCGCCCTGACCTCCTGCTGTTGCTCTTTCTGGCCCAC[A>C]GTCCCGGCCAGTGTGCAGCTGCACACGGCGGTGGAGATGCACCACTGGTGCATCCCCTTC-3'

ClinVar aggregate classification (germline): Likely pathogenic (1 of 4 stars; one submission).

Conditions:
Hereditary insensitivity to pain with anhidrosis (CIPA). Also called: hereditary sensory and autonomic neuropathy type 4; FAMILIAL DYSAUTONOMIA, TYPE II; NEUROPATHY, CONGENITAL SENSORY, WITH ANHIDROSIS; INSENSITIVITY TO PAIN, CONGENITAL, WITH ANHIDROSIS; HSAN Type IV; NTRK1 Congenital Insensitivity to Pain with Anhidrosis. Identifiers: Orphanet 642, MedGen C0020074, MONDO:0009746, OMIM 256800.

Submission:

Labcorp Genetics (formerly Invitae), Labcorp
Classification: Likely pathogenic for Hereditary insensitivity to pain with anhidrosis. Last evaluated: 2024-07-11. Review status: criteria provided, single submitter. Criteria: Invitae Variant Classification Sherloc (09022015). Collection method: clinical testing. Allele origin: germline.
Comment: This sequence change affects an acceptor splice site in intron 7 of the NTRK1 gene. It is expected to disrupt RNA splicing. Variants that disrupt the donor or acceptor splice site typically lead to a loss of protein function (PMID: 16199547), and loss-of-function variants in NTRK1 are known to be pathogenic (PMID: 10982191). This variant is not present in population databases (gnomAD no frequency). This variant has not been reported in the literature in individuals affected with NTRK1-related conditions. ClinVar contains an entry for this variant (Variation ID: 1485330). Algorithms developed to predict the effect of sequence changes on RNA splicing suggest that this variant may disrupt the consensus splice site. In summary, the currently available evidence indicates that the variant is pathogenic, but additional data are needed to prove that conclusively. Therefore, this variant has been classified as Likely Pathogenic.

Literature cited by the submitters: PubMed 16199547; PubMed 10982191.